The following is an entry in ClinVar:

NM_001371904.1(APOA5):c.613C>T (p.His205Tyr)

Gene: APOA5 (apolipoprotein A5; minus strand). Cytogenetic location: 11q23.3.
Variant type: single nucleotide variant.
Coding change: c.613C>T on transcript NM_001371904.1 (MANE Select); coding-DNA position 613, C replaced by T.
Protein change: p.His205Tyr; replaces histidine 205 with tyrosine.
Molecular consequence: missense variant.
Genome position (GRCh38, 1-based): chr11:116,790,616, G>A on the plus strand (C>T on the coding strand, the complement: APOA5 is on the minus strand). VCF-style: chr11-116790616-G-A. GRCh37 (hg19) VCF-style: chr11-116661332-G-A.
Other names: c.613C>T, p.His205Tyr (NM_001166598.2, NM_052968.5); short protein forms H205Y.
Identifiers: ClinVar variation 3228885 (VCV003228885.1), dbSNP rs753285841, ClinGen allele CA6289039.

ClinVar aggregate classification (germline): Uncertain significance (1 of 4 stars; one submission).

Conditions:
Cardiovascular phenotype. Identifiers: MedGen CN230736.

Allele frequency attached by ClinVar (database versions not stated): gnomAD 0.00001; ExAC 0.00002; TOPMed 0.00002.

Submission:

Ambry Genetics
Classification: Uncertain significance for Cardiovascular phenotype. Last evaluated: 2024-01-31. Review status: criteria provided, single submitter. Criteria: Ambry Variant Classification Scheme 2023. Collection method: clinical testing. Allele origin: germline.
Comment: The p.H205Y variant (also known as c.613C>T), located in coding exon 3 of the APOA5 gene, results from a C to T substitution at nucleotide position 613. The histidine at codon 205 is replaced by tyrosine, an amino acid with similar properties. This amino acid position is conserved. In addition, this alteration is predicted to be tolerated by in silico analysis. Based on the available evidence, the clinical significance of this alteration remains unclear.